The following is an entry in ClinVar:

ClinVar aggregate classification (germline): Benign. Review status: criteria provided, multiple submitters, no conflicts (2 of 4 stars). 13 submissions from 12 submitters: Benign (10). 3 of the submissions do not count toward it. Last evaluated 2026-02-03.

Conditions:
Ullrich congenital muscular dystrophy 1A. Also called: Ullrich congenital muscular dystrophy 1; Intermediate COL6-RD. Identifiers: Orphanet 75840, MedGen C0410179, MONDO:0009681, OMIM 254090.
Collagen 6-related myopathy. Identifiers: MedGen CN117976, MONDO:0100225.
Bethlem myopathy 1A. Also called: Bethlem myopathy 1; Bethlem Muscular Dystrophy; MYOPATHY, BENIGN CONGENITAL, WITH CONTRACTURES. Identifiers: Orphanet 610, MedGen CN029274, MONDO:0024530, OMIM 158810.

Allele frequency attached by ClinVar (database versions not stated): gnomAD exomes 0.26728 and 0.28641; gnomAD 0.32005 and 0.31295; 1000 Genomes Project 0.26418; 1000 Genomes Project 30x 0.26889; TOPMed 0.32123; ESP Exome Variant Server 0.32713; ExAC 0.27149.
gnomAD v4.1: 464,544 of 1,612,542 alleles (29%); highest among the groups gnomAD compares: African/African-American, 41%; 68,834 homozygotes.

Submissions (13):

Labcorp Genetics (formerly Invitae), Labcorp
Classification: Benign for Bethlem myopathy 1A. Last evaluated: 2026-02-03. Review status: criteria provided, single submitter. Criteria: Invitae Variant Classification Sherloc (09022015). Collection method: clinical testing. Allele origin: germline.

Genome-Nilou Lab
Classification: Benign for Bethlem myopathy 1A. Last evaluated: 2021-07-30. Review status: criteria provided, single submitter. Criteria: ACMG Guidelines, 2015. Collection method: clinical testing. Allele origin: germline. Affected: no.

Genome-Nilou Lab
Classification: Benign for Ullrich congenital muscular dystrophy 1A. Last evaluated: 2021-07-30. Review status: criteria provided, single submitter. Criteria: ACMG Guidelines, 2015. Collection method: clinical testing. Allele origin: germline. Affected: no.

Illumina Laboratory Services, Illumina
Classification: Benign for Collagen VI-related myopathy. Last evaluated: 2018-01-13. Review status: criteria provided, single submitter. Criteria: ICSL Variant Classification Criteria 13 December 2019. Collection method: clinical testing. Allele origin: germline.
Comment: This variant was observed in the ICSL laboratory as part of a predisposition screen in an ostensibly healthy population. It had not been previously curated by ICSL or reported in the Human Gene Mutation Database (HGMD: prior to June 1st, 2018), and was therefore a candidate for classification through an automated scoring system. Utilizing variant allele frequency, disease prevalence and penetrance estimates, and inheritance mode, an automated score was calculated to assess if this variant is too frequent to cause the disease. Based on the score and internal cut-off values, a variant classified as benign is not then subjected to further curation. The score for this variant resulted in a classification of benign for this disease.

Mayo Clinic Laboratories, Mayo Clinic
Classification: Benign. Last evaluated: 2017-07-24. Review status: criteria provided, single submitter. Criteria: ACMG Guidelines, 2015. Collection method: clinical testing. Allele origin: germline. Observed: 366 variant alleles.

GeneDx
Classification: Benign. Last evaluated: 2016-01-22. Review status: criteria provided, single submitter. Criteria: GeneDx Variant Classification (06012015). Collection method: clinical testing. Allele origin: germline. Affected: yes.
Comment: This variant is considered likely benign or benign based on one or more of the following criteria: it is a conservative change, it occurs at a poorly conserved position in the protein, it is predicted to be benign by multiple in silico algorithms, and/or has population frequency not consistent with disease.

Genetic Services Laboratory, University of Chicago
Classification: Benign for AllHighlyPenetrant. Last evaluated: 2013-08-15. Review status: criteria provided, single submitter. Criteria: ACMG Guidelines, 2007. Collection method: clinical testing. Allele origin: germline.

Eurofins Ntd Llc (ga)
Classification: Benign. Last evaluated: 2012-07-17. Review status: criteria provided, single submitter. Criteria: EGL Classification Definitions 2015. Collection method: clinical testing. Allele origin: germline. Observed: 58 variant alleles, 49 heterozygotes, 9 homozygotes.

Breakthrough Genomics
Classification: Benign. Review status: criteria provided, single submitter. Criteria: ACMG Guidelines, 2015. Collection method: not provided. Allele origin: germline. Inheritance: Autosomal recessive inheritance. Affected: yes.

PreventionGenetics, part of Exact Sciences
Classification: Benign. Review status: criteria provided, single submitter. Criteria: ACMG Guidelines, 2015. Collection method: clinical testing. Allele origin: germline.

Clinical Genetics, Academic Medical Center
Classification: Benign. Review status: no assertion criteria provided. Collection method: clinical testing. Allele origin: germline. Affected: yes. Study: VKGL Data-share Consensus. Not counted in ClinVar's aggregate classification.

Diagnostic Laboratory, Department of Genetics, University Medical Center Groningen
Classification: Benign. Review status: no assertion criteria provided. Collection method: clinical testing. Allele origin: germline. Affected: yes. Study: VKGL Data-share Consensus. Not counted in ClinVar's aggregate classification.

Joint Genome Diagnostic Labs from Nijmegen and Maastricht, Radboudumc and MUMC+
Classification: Benign. Review status: no assertion criteria provided. Collection method: clinical testing. Allele origin: germline. Affected: yes. Study: VKGL Data-share Consensus. Not counted in ClinVar's aggregate classification.

NM_001848.3(COL6A1):c.2796C>T (p.Ser932=)

Gene: COL6A1 (collagen type VI alpha 1 chain; plus strand). Cytogenetic location: 21q22.3.
Variant type: single nucleotide variant.
Coding change: c.2796C>T on transcript NM_001848.3 (MANE Select); coding-DNA position 2796, C replaced by T.
Protein change: p.Ser932=; no amino-acid change (serine 932 retained).
Molecular consequence: synonymous variant.
Genome position (GRCh38, 1-based): chr21:46,003,722, C>T. VCF-style: chr21-46003722-C-T. GRCh37 (hg19) VCF-style: chr21-47423636-C-T.
Other names: p.Ser932=.
Identifiers: ClinVar variation 93870 (VCV000093870.33), dbSNP rs1053320, ClinGen allele CA147401.